The following is an entry in ClinVar:

NM_001039213.4(CEACAM16):c.1123G>A (p.Ala375Thr)

Genes: CEACAM16 (CEA cell adhesion molecule 16, tectorial membrane component; plus strand), CEACAM16-AS1 (CEACAM16, CEACAM19 and PVR antisense RNA 1; minus strand). Cytogenetic location: 19q13.32.
Variant type: single nucleotide variant.
Coding change: c.1123G>A on transcript NM_001039213.4 (MANE Select); coding-DNA position 1123, G replaced by A.
Protein change: p.Ala375Thr; replaces alanine 375 with threonine.
Molecular consequence: missense variant.
Genome position (GRCh38, 1-based): chr19:44,708,043, G>A. VCF-style: chr19-44708043-G-A. GRCh37 (hg19) VCF-style: chr19-45211315-G-A.
Other names: short protein forms A375T.
Identifiers: ClinVar variation 2571993 (VCV002571993.1), dbSNP rs777496967, ClinGen allele CA9503236.

ClinVar aggregate classification (germline): Uncertain significance (1 of 4 stars; one submission).

Allele frequency attached by ClinVar (database versions not stated): gnomAD 0.00001; TOPMed 0.00001.

Submission:

GeneDx
Classification: Uncertain significance. Last evaluated: 2023-01-10. Review status: criteria provided, single submitter. Criteria: GeneDx Variant Classification Process June 2021. Collection method: clinical testing. Allele origin: germline. Affected: yes.
Comment: Not observed at significant frequency in large population cohorts (gnomAD); In silico analysis supports that this missense variant does not alter protein structure/function; Has not been previously published as pathogenic or benign to our knowledge